The following is an entry in ClinVar:

ClinVar aggregate classification (germline): Pathogenic/Likely pathogenic. Review status: criteria provided, multiple submitters, no conflicts (2 of 4 stars). 2 submissions from 2 submitters: Pathogenic (1); Likely pathogenic (1). Last evaluated 2023-11-17.

Conditions:
Chédiak-Higashi syndrome (CHS). Also called: Chediak-Higashi Syndrome. Identifiers: Orphanet 167, MedGen C0007965, MONDO:0008963, OMIM 214500.

Submissions (2):

Baylor Genetics
Classification: Likely pathogenic for Chédiak-Higashi syndrome. Last evaluated: 2023-11-17. Review status: criteria provided, single submitter. Criteria: ACMG Guidelines, 2015. Collection method: clinical testing. Allele origin: unknown.

Labcorp Genetics (formerly Invitae), Labcorp
Classification: Pathogenic for Chédiak-Higashi syndrome. Last evaluated: 2023-02-08. Review status: criteria provided, single submitter. Criteria: Invitae Variant Classification Sherloc (09022015). Collection method: clinical testing. Allele origin: germline.
Comment: This premature translational stop signal has been observed in individual(s) with LYST-related conditions (PMID: 32542393). This sequence change creates a premature translational stop signal (p.Tyr672*) in the LYST gene. It is expected to result in an absent or disrupted protein product. Loss-of-function variants in LYST are known to be pathogenic (PMID: 9215679, 11857544). This variant is not present in population databases (gnomAD no frequency). For these reasons, this variant has been classified as Pathogenic.

Literature cited by the submitters: PubMed 32542393 (cited by Labcorp Genetics (formerly Invitae), Labcorp); PubMed 9215679 (cited by Labcorp Genetics (formerly Invitae), Labcorp); PubMed 11857544 (cited by Labcorp Genetics (formerly Invitae), Labcorp).

NM_000081.4(LYST):c.2016C>A (p.Tyr672Ter)

Gene: LYST (lysosomal trafficking regulator; minus strand). Cytogenetic location: 1q42.3.
Variant type: single nucleotide variant.
Coding change: c.2016C>A on transcript NM_000081.4 (MANE Select); coding-DNA position 2016, C replaced by A.
Protein change: p.Tyr672Ter; replaces tyrosine 672 with a stop codon.
Molecular consequence: nonsense.
Genome position (GRCh38, 1-based): chr1:235,808,802, G>T on the plus strand (C>A on the coding strand, the complement: LYST is on the minus strand). VCF-style: chr1-235808802-G-T. GRCh37 (hg19) VCF-style: chr1-235972102-G-T.
Other names: c.2016C>A, p.Tyr672Ter (NM_001301365.1); short protein forms Y672*.
Identifiers: ClinVar variation 2716351 (VCV002716351.4), dbSNP rs922968465, ClinGen allele CA344961141.